The following is an entry in ClinVar:

NM_015681.6(B9D1):c.472G>A (p.Val158Met)

Gene: B9D1 (B9 domain containing 1; minus strand). Cytogenetic location: 17p11.2.
Variant type: single nucleotide variant.
Coding change: c.472G>A on transcript NM_015681.6 (MANE Select); coding-DNA position 472, G replaced by A.
Protein change: p.Val158Met; replaces valine 158 with methionine.
Molecular consequence: missense variant. On other transcripts: intron variant (1).
Genome position (GRCh38, 1-based): chr17:19,343,790, C>T on the plus strand (G>A on the coding strand, the complement: B9D1 is on the minus strand). VCF-style: chr17-19343790-C-T. GRCh37 (hg19) VCF-style: chr17-19247103-C-T.
Other names: c.472G>A, p.Asp158Asn (NM_001321214.2); c.472G>A, p.Gly158Ser (NM_001321215.3); c.472G>A, p.Ala158Thr (NM_001321217.2, NM_001321218.2, NM_001330149.2); c.112G>A, p.Ala38Thr (NM_001368769.2); c.404+3479G>A (NM_001321219.2); short protein forms A158T, A38T, D158N, G158S, V158M.
Identifiers: ClinVar variation 3763752 (VCV003763752.3).

ClinVar aggregate classification (germline): Conflicting classifications of pathogenicity. Review status: criteria provided, conflicting classifications (1 of 4 stars). 2 submissions from 2 submitters: Likely pathogenic (1); Uncertain significance (1). Last evaluated 2024-08-18.

Conditions:
Meckel-Gruber syndrome. Also called: Dysencephalia splachnocystica; DYSENCEPHALIA SPLANCHNOCYSTICA; GRUBER SYNDROME. Identifiers: Orphanet 564, MedGen C0265215, MONDO:0018921.
Joubert syndrome. Also called: Familial aplasia of the vermis; JOUBERT-BOLTSHAUSER SYNDROME. Identifiers: Orphanet 475, MedGen C5979921, MONDO:0018772.

Submissions (2):

Labcorp Genetics (formerly Invitae), Labcorp
Classification: Likely pathogenic for Joubert syndrome; Meckel-Gruber syndrome. Last evaluated: 2024-08-18. Review status: criteria provided, single submitter. Criteria: Invitae Variant Classification Sherloc (09022015). Collection method: clinical testing. Allele origin: germline.
Comment: This sequence change replaces valine, which is neutral and non-polar, with methionine, which is neutral and non-polar, at codon 158 of the B9D1 protein (p.Val158Met). This variant also falls at the last nucleotide of exon 6, which is part of the consensus splice site for this exon. This variant is not present in population databases (gnomAD no frequency). This missense change has been observed in individual(s) with clinical features of B9D1-related conditions (Internal data). An algorithm developed to predict the effect of missense changes on protein structure and function (PolyPhen-2) suggests that this variant is likely to be disruptive. Variants that disrupt the consensus splice site are a relatively common cause of aberrant splicing (PMID: 17576681, 9536098). Algorithms developed to predict the effect of sequence changes on RNA splicing suggest that this variant may disrupt the consensus splice site. In summary, the currently available evidence indicates that the variant is pathogenic, but additional data are needed to prove that conclusively. Therefore, this variant has been classified as Likely Pathogenic.

Blueprint Genetics
Classification: Uncertain significance. Last evaluated: 2024-02-23. Review status: criteria provided, single submitter. Criteria: ACMG Guidelines, 2015. Collection method: clinical testing. Allele origin: germline.

Literature cited by the submitters: PubMed 17576681 (cited by Labcorp Genetics (formerly Invitae), Labcorp); PubMed 9536098 (cited by Labcorp Genetics (formerly Invitae), Labcorp).